The following is an entry in ClinVar:

ClinVar aggregate classification (germline): Uncertain significance (1 of 4 stars; one submission).

Conditions:
Renal coloboma syndrome (PAPRS). Also called: PAPILLORENAL SYNDROME WITH MILD OCULAR ABNORMALITIES; COLOBOMA OF OPTIC NERVE WITH RENAL DISEASE; OPTIC NERVE COLOBOMA WITH RENAL DISEASE; RENAL-COLOBOMA SYNDROME WITH MACULAR ABNORMALITIES; OPTIC COLOBOMA, VESICOURETERAL REFLUX, AND RENAL ANOMALIES; CONGENITAL ANOMALIES OF THE KIDNEY AND URINARY TRACT WITH OR WITHOUT OCULAR ABNORMALITIES. Identifiers: Orphanet 1475, MedGen C1852759, MONDO:0007352, OMIM 120330.
Focal segmental glomerulosclerosis 7 (FSGS7). Identifiers: Orphanet 656, MedGen C4014925, MONDO:0014451, OMIM 616002.

Allele frequency attached by ClinVar (database versions not stated): gnomAD exomes below 0.00001; ExAC 0.00001.
gnomAD v4.1: 1 of 1,613,518 alleles (0.000062%); highest among the groups gnomAD compares: Non-Finnish European, 0.000085%; no homozygotes.

Submission:

Labcorp Genetics (formerly Invitae), Labcorp
Classification: Uncertain significance for Renal coloboma syndrome; Focal segmental glomerulosclerosis 7. Last evaluated: 2022-12-02. Review status: criteria provided, single submitter. Criteria: Invitae Variant Classification Sherloc (09022015). Collection method: clinical testing. Allele origin: germline.
Comment: In summary, the available evidence is currently insufficient to determine the role of this variant in disease. Therefore, it has been classified as a Variant of Uncertain Significance. Experimental studies and prediction algorithms are not available or were not evaluated, and the functional significance of this variant is currently unknown. ClinVar contains an entry for this variant (Variation ID: 1381462). This variant has not been reported in the literature in individuals affected with PAX2-related conditions. This variant is present in population databases (rs762149868, gnomAD 0.0009%). This sequence change replaces alanine, which is neutral and non-polar, with threonine, which is neutral and polar, at codon 272 of the PAX2 protein (p.Ala272Thr).

NM_000278.5(PAX2):c.814G>A (p.Ala272Thr)

Gene: PAX2 (paired box 2; plus strand). Cytogenetic location: 10q24.31.
Variant type: single nucleotide variant.
Coding change: c.814G>A on transcript NM_000278.5 (MANE Select); coding-DNA position 814, G replaced by A.
Protein change: p.Ala272Thr; replaces alanine 272 with threonine.
Molecular consequence: missense variant.
Genome position (GRCh38, 1-based): chr10:100,809,131, G>A. VCF-style: chr10-100809131-G-A. GRCh37 (hg19) VCF-style: chr10-102568888-G-A.
Other names: c.907G>A, p.Ala303Thr (NM_001304569.2); c.883G>A, p.Ala295Thr (NM_003987.5, NM_003990.5); c.814G>A, p.Ala272Thr (NM_003988.5, NM_003989.5); short protein forms A303T, A272T, A295T.
Identifiers: ClinVar variation 1381462 (VCV001381462.6), dbSNP rs762149868, ClinGen allele CA5650870.
Genomic context (GRCh38, chr10:100,809,131, plus strand): 5'-GCATCAATAGAGAGCTGTCACTTTTCTCTCTCCTCCCAGGGGAACGAGTACTCCCTCCCA[G>A]CCCTGACCCCTGGGCTTGATGAAGTCAAGTCGAGTCTATCTGCATCCACCAACCCTGAGC-3'
Protein context (NP_000269.3, residues 262-282): SEQGNEYSLP[Ala272Thr]LTPGLDEVKS